The following is an entry in ClinVar:

ClinVar aggregate classification (germline): Uncertain significance (1 of 4 stars; one submission).

Allele frequency attached by ClinVar (database versions not stated): gnomAD 0.00001; TOPMed 0.00001; gnomAD exomes below 0.00001; ExAC 0.00001.
gnomAD v4.1: 2 of 1,614,006 alleles (0.00012%); highest among the groups gnomAD compares: Non-Finnish European, 0.00017%; no homozygotes.

Submission:

Labcorp Genetics (formerly Invitae), Labcorp
Classification: Uncertain significance. Last evaluated: 2025-03-10. Review status: criteria provided, single submitter. Criteria: Invitae Variant Classification Sherloc (09022015). Collection method: clinical testing. Allele origin: germline.
Comment: This sequence change replaces threonine, which is neutral and polar, with alanine, which is neutral and non-polar, at codon 3352 of the FAT4 protein (p.Thr3352Ala). This variant is present in population databases (rs759036002, gnomAD 0.0009%). This variant has not been reported in the literature in individuals affected with FAT4-related conditions. ClinVar contains an entry for this variant (Variation ID: 1434756). Invitae Evidence Modeling of protein sequence and biophysical properties (such as structural, functional, and spatial information, amino acid conservation, physicochemical variation, residue mobility, and thermodynamic stability) indicates that this missense variant is not expected to disrupt FAT4 protein function with a negative predictive value of 80%. In summary, the available evidence is currently insufficient to determine the role of this variant in disease. Therefore, it has been classified as a Variant of Uncertain Significance.

NM_001291303.3(FAT4):c.10060A>G (p.Thr3354Ala)

Gene: FAT4 (FAT atypical cadherin 4; plus strand). Cytogenetic location: 4q28.1.
Variant type: single nucleotide variant.
Coding change: c.10060A>G on transcript NM_001291303.3 (MANE Select); coding-DNA position 10060, A replaced by G.
Protein change: p.Thr3354Ala; replaces threonine 3354 with alanine.
Molecular consequence: missense variant.
Genome position (GRCh38, 1-based): chr4:125,451,070, A>G. VCF-style: chr4-125451070-A-G. GRCh37 (hg19) VCF-style: chr4-126372225-A-G.
Other names: c.10060A>G, p.Thr3354Ala (NM_001291285.3); c.10054A>G, p.Thr3352Ala (NM_024582.6); short protein forms T3354A, T3352A.
Identifiers: ClinVar variation 1434756 (VCV001434756.5), dbSNP rs759036002, ClinGen allele CA3073629.
Genomic context (GRCh38, chr4:125,451,070, plus strand): 5'-GAGGTACACTATTTGATTTTTGGTAATAGTCGAAAGAAGGGTTTCCAGATCAATAAGAAG[A>G]CTGGACAGATTTATGTTTCTGGAATTCTTGATCGAGAAAAAGAAGAAAGGGTGTCTTTGA-3'
Protein context (NP_001278232.1, residues 3344-3364): RKKGFQINKK[Thr3354Ala]GQIYVSGILD